The following is an entry in ClinVar:

NM_000260.4(MYO7A):c.5123G>A (p.Arg1708His)

Gene: MYO7A (myosin VIIA; plus strand). Cytogenetic location: 11q13.5.
Variant type: single nucleotide variant.
Coding change: c.5123G>A on transcript NM_000260.4 (MANE Select); coding-DNA position 5123, G replaced by A.
Protein change: p.Arg1708His; replaces arginine 1708 with histidine.
Molecular consequence: missense variant.
Genome position (GRCh38, 1-based): chr11:77,202,379, G>A. VCF-style: chr11-77202379-G-A. GRCh37 (hg19) VCF-style: chr11-76913424-G-A.
Other names: c.5009G>A, p.Arg1670His (NM_001127180.2); c.4976G>A, p.Arg1659His (NM_001369365.1); short protein forms R1659H, R1670H, R1708H.
Identifiers: ClinVar variation 1028646 (VCV001028646.5), dbSNP rs1241956038, ClinGen allele CA381951745.

ClinVar aggregate classification (germline): Uncertain significance. Review status: criteria provided, multiple submitters, no conflicts (2 of 4 stars). 4 submissions from 4 submitters: Uncertain significance (4). Last evaluated 2024-09-10.

Conditions:
Autosomal recessive nonsyndromic hearing loss 2. Also called: NEUROSENSORY NONSYNDROMIC RECESSIVE DEAFNESS 2; DEAFNESS, AUTOSOMAL RECESSIVE 2. Identifiers: Orphanet 90636, MedGen C1838701, MONDO:0010807, OMIM 600060.

Allele frequency attached by ClinVar (database versions not stated): gnomAD 0.00001; TOPMed 0.00001; gnomAD exomes 0.00002 and 0.00003.
gnomAD v4.1: 41 of 1,558,296 alleles (0.0026%); highest among the groups gnomAD compares: Middle Eastern, 0.017%; no homozygotes.

Submissions (4):

Blueprint Genetics
Classification: Uncertain significance. Last evaluated: 2024-09-10. Review status: criteria provided, single submitter. Criteria: ACMG Guidelines, 2015. Collection method: clinical testing. Allele origin: germline.

GeneDx
Classification: Uncertain significance. Last evaluated: 2022-05-19. Review status: criteria provided, single submitter. Criteria: GeneDx Variant Classification Process June 2021. Collection method: clinical testing. Allele origin: germline. Affected: yes.
Comment: In silico analysis supports that this missense variant does not alter protein structure/function; Has not been previously published as pathogenic or benign to our knowledge

Labcorp Genetics (formerly Invitae), Labcorp
Classification: Uncertain significance. Last evaluated: 2021-09-17. Review status: criteria provided, single submitter. Criteria: Invitae Variant Classification Sherloc (09022015). Collection method: clinical testing. Allele origin: germline.
Comment: This sequence change replaces arginine with histidine at codon 1708 of the MYO7A protein (p.Arg1708His). The arginine residue is moderately conserved and there is a small physicochemical difference between arginine and histidine. This variant is not present in population databases (ExAC no frequency). This variant has not been reported in the literature in individuals affected with MYO7A-related conditions. ClinVar contains an entry for this variant (Variation ID: 1028646). Advanced modeling of protein sequence and biophysical properties (such as structural, functional, and spatial information, amino acid conservation, physicochemical variation, residue mobility, and thermodynamic stability) performed at Invitae indicates that this missense variant is not expected to disrupt MYO7A protein function. In summary, the available evidence is currently insufficient to determine the role of this variant in disease. Therefore, it has been classified as a Variant of Uncertain Significance.

Baylor Genetics
Classification: Uncertain significance for Autosomal recessive nonsyndromic hearing loss 2. Last evaluated: 2019-08-08. Review status: criteria provided, single submitter. Criteria: ACMG Guidelines, 2015. Collection method: clinical testing. Allele origin: unknown. Affected: yes.
Comment: This variant was determined to be of uncertain significance according to ACMG Guidelines, 2015 [PMID:25741868].